The following is an entry in ClinVar:

ClinVar aggregate classification (germline): Uncertain significance. Review status: criteria provided, multiple submitters, no conflicts (2 of 4 stars). 3 submissions from 3 submitters: Uncertain significance (3). Last evaluated 2023-06-26.

Conditions:
Autosomal recessive limb-girdle muscular dystrophy type 2J (LGMDR10). Also called: MUSCULAR DYSTROPHY, LIMB-GIRDLE, AUTOSOMAL RECESSIVE 10; Limb-girdle muscular dystrophy, type 2J. Identifiers: Orphanet 140922, MedGen C1837342, MONDO:0012127, OMIM 608807.
Tibial muscular dystrophy (TMD). Also called: Udd Distal Myopathy – Tibial Muscular Dystrophy; UDD MYOPATHY; Tibial muscular dystrophy, tardive. Identifiers: Orphanet 609, MedGen C1838244, MONDO:0010870, OMIM 600334.
Dilated cardiomyopathy 1G (CMD1G). Identifiers: Orphanet 154, MedGen C1858763, MONDO:0011400, OMIM 604145.
Early-onset myopathy with fatal cardiomyopathy (CMYO5). Also called: CONGENITAL MYOPATHY 5 WITH CARDIOMYOPATHY; Salih Myopathy. Identifiers: Orphanet 289377, MedGen C2673677, MONDO:0012714, OMIM 611705. Disease mechanism: loss of function.
Myopathy, myofibrillar, 9, with early respiratory failure (MFM9). Also called: EDSTROM MYOPATHY; MYOPATHY, PROXIMAL, WITH EARLY RESPIRATORY MUSCLE INVOLVEMENT; Hereditary myopathy with early respiratory failure; Myopathy, distal, with early respiratory failure, autosomal dominant. Identifiers: Orphanet 178464, Orphanet 34521, MedGen C1863599, MONDO:0011362, OMIM 603689.
Hypertrophic cardiomyopathy 9. Also called: Familial hypertrophic cardiomyopathy 9. Identifiers: MedGen C1861065, MONDO:0013412, OMIM 613765.

Allele frequency attached by ClinVar (database versions not stated): gnomAD exomes below 0.00001; gnomAD 0.00001 and 0.00002; TOPMed 0.00001.
gnomAD v4.1: 6 of 1,613,450 alleles (0.00037%); highest among the groups gnomAD compares: Admixed American, 0.0017%; no homozygotes.

Submissions (3):

Women's Health and Genetics/Laboratory Corporation of America, LabCorp
Classification: Uncertain significance. Last evaluated: 2023-06-26. Review status: criteria provided, single submitter. Criteria: LabCorp Variant Classification Summary - May 2015. Collection method: clinical testing. Allele origin: germline.
Comment: Variant summary: TTN c.79373C>T (p.Pro26458Leu) results in a non-conservative amino acid change located in the A-band region of the encoded protein sequence. Two of four in-silico tools predict a benign effect of the variant on protein function. The variant allele was found at a frequency of 3.6e-06 in 279496 control chromosomes (gnomAD). The available data on variant occurrences in the general population are insufficient to allow any conclusion about variant significance. To our knowledge, no occurrence of c.79373C>T in individuals affected with Dilated Cardiomyopathy and no experimental evidence demonstrating its impact on protein function have been reported. Two submitters have cited clinical-significance assessments for this variant to ClinVar after 2014. All submitters classified the variant as uncertain significance. Based on the evidence outlined above, the variant was classified as uncertain significance.

Fulgent Genetics
Classification: Uncertain significance for Tibial muscular dystrophy; Myopathy, myofibrillar, 9, with early respiratory failure; Dilated cardiomyopathy 1G; Autosomal recessive limb-girdle muscular dystrophy type 2J; Early-onset myopathy with fatal cardiomyopathy; Hypertrophic cardiomyopathy 9. Last evaluated: 2021-10-13. Review status: criteria provided, single submitter. Criteria: ACMG Guidelines, 2015. Collection method: clinical testing. Allele origin: unknown.

Laboratory for Molecular Medicine, Mass General Brigham Personalized Medicine
Classification: Uncertain significance. Last evaluated: 2015-03-04. Review status: criteria provided, single submitter. Criteria: LMM Criteria. Collection method: clinical testing. Allele origin: germline. Observed: 1 variant allele.
Comment: The p.Pro26458Leu variant in TTN has not been previously reported in individuals with cardiomyopathy or large population studies. Computational prediction tools and conservation analysis do not provide strong support for or against an impac t to the protein. In summary, additional information is needed to fully assess t he clinical significance of the p.Pro26458Leu variant.

NM_001267550.2(TTN):c.87077C>T (p.Pro29026Leu)

Genes: TTN (titin; minus strand), TTN-AS1 (TTN antisense RNA 1; plus strand). Cytogenetic location: 2q31.2.
Variant type: single nucleotide variant.
Coding change: c.87077C>T on transcript NM_001267550.2 (MANE Select); coding-DNA position 87077, C replaced by T.
Protein change: p.Pro29026Leu; replaces proline 29026 with leucine.
Molecular consequence: missense variant.
Genome position (GRCh38, 1-based): chr2:178,558,382, G>A on the plus strand (C>T on the coding strand, the complement: TTN is on the minus strand). VCF-style: chr2-178558382-G-A. GRCh37 (hg19) VCF-style: chr2-179423109-G-A.
Other names: c.79373C>T, p.Pro26458Leu (NM_133378.4); c.82154C>T, p.Pro27385Leu (NM_001256850.1); c.59882C>T, p.Pro19961Leu (NM_003319.4); c.60257C>T, p.Pro20086Leu (NM_133432.3); c.60458C>T, p.Pro20153Leu (NM_133437.4); short protein forms P26458L, P29026L, P20086L, P27385L, P20153L, P19961L.
Identifiers: ClinVar variation 229536 (VCV000229536.7), dbSNP rs876658090, ClinGen allele CA10576467.